The following is an entry in ClinVar:

NM_001290043.2(TAP2):c.1272+7G>A

Gene: TAP2 (transporter 2, ATP binding cassette subfamily B member; minus strand). Cytogenetic location: 6p21.32.
Variant type: single nucleotide variant.
Coding change: c.1272+7G>A on transcript NM_001290043.2 (MANE Select); 7 bases into the intron after coding-DNA position 1272, G replaced by A.
Molecular consequence: intron variant.
Genome position (GRCh38, 1-based): chr6:32,832,326, C>T on the plus strand (G>A on the coding strand, the complement: TAP2 is on the minus strand). VCF-style: chr6-32832326-C-T. GRCh37 (hg19) VCF-style: chr6-32800103-C-T.
Other names: c.1272+7G>A (NM_018833.3, NM_000544.3).
Identifiers: ClinVar variation 1611771 (VCV001611771.10), dbSNP rs547573518, ClinGen allele CA3745956.
Genomic context (GRCh38, chr6:32,832,326, plus strand): 5'-CAAGGCCCAGGAGTCCACAAAGAAAAAGAGAGGGAAAAAAGGAGAGCAGGCTTGGCTTCT[C>T]GCTCACCTGCACATAGCTCCCCACGCTCTCCTGGTAGATCATAAAGGAAAGCAGGCTGCC-3'

ClinVar aggregate classification (germline): Likely benign. Review status: criteria provided, single submitter (1 of 4 stars). 2 submissions from 2 submitters: Likely benign (1). 1 of the submissions does not count toward it. Last evaluated 2025-04-08.

Conditions:
TAP2-related disorder. Also called: TAP2-related condition.
MHC class I deficiency. Identifiers: Orphanet 34592, MedGen C6024714, MONDO:0011476.

Allele frequency attached by ClinVar (database versions not stated): ExAC 0.00002; gnomAD exomes 0.00002; gnomAD 0.00010 and 0.00011; TOPMed 0.00012.
gnomAD v4.1: 44 of 1,612,990 alleles (0.0027%); highest among the groups gnomAD compares: African/African-American, 0.035%; no homozygotes.

Submissions (2):

Labcorp Genetics (formerly Invitae), Labcorp
Classification: Likely benign for MHC class I deficiency 1. Last evaluated: 2025-04-08. Review status: criteria provided, single submitter. Criteria: Invitae Variant Classification Sherloc (09022015). Collection method: clinical testing. Allele origin: germline.

PreventionGenetics, part of Exact Sciences
Classification: Likely benign for TAP2-related condition. Last evaluated: 2019-08-09. Review status: no assertion criteria provided. Collection method: clinical testing. Allele origin: germline. Not counted in ClinVar's aggregate classification.
Comment: This variant is classified as likely benign based on ACMG/AMP sequence variant interpretation guidelines (Richards et al. 2015 PMID: 25741868, with internal and published modifications).